The following is an entry in ClinVar:

NM_001281740.3(FHOD3):c.4378G>A (p.Ala1460Thr)

Gene: FHOD3 (formin homology 2 domain containing 3; plus strand). Cytogenetic location: 18q12.2.
Variant type: single nucleotide variant.
Coding change: c.4378G>A on transcript NM_001281740.3 (MANE Select); coding-DNA position 4378, G replaced by A.
Protein change: p.Ala1460Thr; replaces alanine 1460 with threonine.
Molecular consequence: missense variant.
Genome position (GRCh38, 1-based): chr18:36,755,264, G>A. VCF-style: chr18-36755264-G-A. GRCh37 (hg19) VCF-style: chr18-34335227-G-A.
Other names: c.3802G>A, p.Ala1268Thr (NM_001281739.3); c.3853G>A, p.Ala1285Thr (NM_025135.5); short protein forms A1268T, A1285T, A1460T.
Identifiers: ClinVar variation 3775105 (VCV003775105.1).

ClinVar aggregate classification (germline): Uncertain significance (1 of 4 stars; one submission).

Conditions:
Cardiomyopathy, familial hypertrophic, 28. Identifiers: MedGen C5543616, MONDO:0030317, OMIM 619402.

gnomAD v4.1: 28 of 1,610,646 alleles (0.0017%); highest among the groups gnomAD compares: African/African-American, 0.0054%; no homozygotes.

Submission:

Clinical Genomics Laboratory, Stanford Medicine
Classification: Uncertain significance for Cardiomyopathy, familial hypertrophic, 28. Last evaluated: 2021-10-05. Review status: criteria provided, single submitter. Criteria: ACMG Guidelines, 2015. Collection method: clinical testing. Allele origin: germline. Observed: 1 variant allele, 1 heterozygote.
Comment: The p.Ala1285Thr variant in the FHOD3 gene has not been previously reported in association with disease. This variant has been identified in 4/249,476 chromosomes by the Genome Aggregation Database. Although this variant has been observed in the general population, its frequency is low enough to be consistent with the prevalence of hypertrophic cardiomyopathy. The alanine at position 1285 is highly evolutionarily conserved. Computational tools do not predict that the p.Ala1285Thr variant is deleterious; however, the accuracy of in silico algorithms is limited. These data were assessed using the ACMG/AMP variant interpretation guidelines. In summary, the significance of the p.Ala1285Thr variant is uncertain. Additional information is needed to resolve the significance of this variant. [ACMG evidence codes used: PM2]